The following is an entry in ClinVar:

ClinVar aggregate classification (germline): Conflicting classifications of pathogenicity. Review status: criteria provided, conflicting classifications (1 of 4 stars). 6 submissions from 6 submitters: Uncertain significance (5); Benign (1). Last evaluated 2025-10-24.

Conditions:
Breast-ovarian cancer, familial, susceptibility to, 3. Also called: RAD51C-Related Breast/Ovarian Cancer. Identifiers: Orphanet 145, MedGen C3150659, MONDO:0013253, OMIM 613399.
Hereditary cancer-predisposing syndrome. Also called: Neoplastic Syndromes, Hereditary; Tumor predisposition; Hereditary neoplastic syndrome; Hereditary Cancer Syndrome. Identifiers: Orphanet 140162, MedGen C0027672, MeSH D009386, MONDO:0015356.
Fanconi anemia complementation group O. Also called: RAD51C-Related Fanconi Anemia. Identifiers: Orphanet 84, MedGen C3150653, MONDO:0013248, OMIM 613390.

Allele frequency attached by ClinVar (database versions not stated): gnomAD exomes below 0.00001; ExAC 0.00002.
gnomAD v4.1: 1 of 1,614,092 alleles (0.000062%); no homozygotes.

Submissions (6):

Ambry Genetics
Classification: Benign for Hereditary cancer-predisposing syndrome. Last evaluated: 2025-10-24. Review status: criteria provided, single submitter. Criteria: Ambry Variant Classification Scheme 2023. Collection method: clinical testing. Allele origin: germline.

Labcorp Genetics (formerly Invitae), Labcorp
Classification: Uncertain significance for Fanconi anemia complementation group O. Last evaluated: 2025-07-30. Review status: criteria provided, single submitter. Criteria: Invitae Variant Classification Sherloc (09022015). Collection method: clinical testing. Allele origin: germline.
Comment: This sequence change replaces glutamic acid, which is acidic and polar, with lysine, which is basic and polar, at codon 92 of the RAD51C protein (p.Glu92Lys). This variant is present in population databases (rs765304898, gnomAD 0.004%). This variant has not been reported in the literature in individuals affected with RAD51C-related conditions. ClinVar contains an entry for this variant (Variation ID: 241769). Invitae Evidence Modeling of protein sequence and biophysical properties (such as structural, functional, and spatial information, amino acid conservation, physicochemical variation, residue mobility, and thermodynamic stability) indicates that this missense variant is not expected to disrupt RAD51C protein function with a negative predictive value of 80%. In summary, the available evidence is currently insufficient to determine the role of this variant in disease. Therefore, it has been classified as a Variant of Uncertain Significance.

GeneDx
Classification: Uncertain significance. Last evaluated: 2023-09-18. Review status: criteria provided, single submitter. Criteria: GeneDx Variant Classification Process June 2021. Collection method: clinical testing. Allele origin: germline. Affected: yes.
Comment: Not observed at significant frequency in large population cohorts (gnomAD); In silico analysis supports that this missense variant does not alter protein structure/function; Has not been previously published as pathogenic or benign to our knowledge; This variant is associated with the following publications: (PMID: 14704354)

Baylor Genetics
Classification: Uncertain significance for Breast-ovarian cancer, familial, susceptibility to, 3. Last evaluated: 2023-09-17. Review status: criteria provided, single submitter. Criteria: ACMG Guidelines, 2015. Collection method: clinical testing. Allele origin: unknown.

MGZ Medical Genetics Center
Classification: Uncertain significance for Breast-ovarian cancer, familial, susceptibility to, 3. Last evaluated: 2022-04-29. Review status: criteria provided, single submitter. Criteria: ACMG Guidelines, 2015. Collection method: clinical testing. Allele origin: germline. Affected: yes. Observed: 1 variant allele.
Comment: ACMG criteria applied: PM2_SUP, BP4

Color Diagnostics, LLC DBA Color Health
Classification: Uncertain significance for Hereditary cancer-predisposing syndrome. Last evaluated: 2018-12-03. Review status: criteria provided, single submitter. Criteria: ACMG Guidelines, 2015. Collection method: clinical testing. Allele origin: germline.

NM_058216.3(RAD51C):c.274G>A (p.Glu92Lys)

Gene: RAD51C (RAD51 paralog C; plus strand). Cytogenetic location: 17q22.
Variant type: single nucleotide variant.
Coding change: c.274G>A on transcript NM_058216.3 (MANE Select); coding-DNA position 274, G replaced by A.
Protein change: p.Glu92Lys; replaces glutamic acid 92 with lysine.
Molecular consequence: missense variant. On other transcripts: non-coding transcript variant (2).
Genome position (GRCh38, 1-based): chr17:58,695,059, G>A. VCF-style: chr17-58695059-G-A. GRCh37 (hg19) VCF-style: chr17-56772420-G-A.
Other names: c.274G>A, p.Glu92Lys (NM_002876.4); short protein forms E92K.
Identifiers: ClinVar variation 241769 (VCV000241769.18), dbSNP rs765304898, ClinGen allele CA8677189.